The following is an entry in ClinVar:

ClinVar aggregate classification (germline): Uncertain significance (1 of 4 stars; one submission).

gnomAD v4.1: 9 of 1,614,010 alleles (0.00056%); highest among the groups gnomAD compares: African/African-American, 0.0013%; no homozygotes.

Submission:

Labcorp Genetics (formerly Invitae), Labcorp
Classification: Uncertain significance. Last evaluated: 2025-09-20. Review status: criteria provided, single submitter. Criteria: Invitae Variant Classification Sherloc (09022015). Collection method: clinical testing. Allele origin: germline.
Comment: This sequence change replaces proline, which is neutral and non-polar, with arginine, which is basic and polar, at codon 1689 of the SRCAP protein (p.Pro1689Arg). This variant is not present in population databases (gnomAD no frequency). This variant has not been reported in the literature in individuals affected with SRCAP-related conditions. Invitae Evidence Modeling of protein sequence and biophysical properties (such as structural, functional, and spatial information, amino acid conservation, physicochemical variation, residue mobility, and thermodynamic stability) indicates that this missense variant is not expected to disrupt SRCAP protein function with a negative predictive value of 80%. In summary, the available evidence is currently insufficient to determine the role of this variant in disease. Therefore, it has been classified as a Variant of Uncertain Significance.

NM_006662.3(SRCAP):c.5066C>G (p.Pro1689Arg)

Gene: SRCAP (Snf2 related CREBBP activator protein; plus strand). Cytogenetic location: 16p11.2.
Variant type: single nucleotide variant.
Coding change: c.5066C>G on transcript NM_006662.3 (MANE Select); coding-DNA position 5066, C replaced by G.
Protein change: p.Pro1689Arg; replaces proline 1689 with arginine.
Molecular consequence: missense variant.
Genome position (GRCh38, 1-based): chr16:30,724,490, C>G. VCF-style: chr16-30724490-C-G. GRCh37 (hg19) VCF-style: chr16-30735811-C-G.
Other names: short protein forms P1689R.
Identifiers: ClinVar variation 4700254 (VCV004700254.1).